The following is an entry in ClinVar:

ClinVar aggregate classification (germline): Likely pathogenic (1 of 4 stars; one submission).

Conditions:
DiGeorge syndrome. Also called: Catch22; THIRD AND FOURTH PHARYNGEAL POUCH SYNDROME. Identifiers: Orphanet 567, MedGen C0012236, MONDO:0008564, OMIM 188400.

Submission:

Diagnostics Services (NGS), CSIR - Centre For Cellular And Molecular Biology
Classification: Likely pathogenic for DiGeorge syndrome. Last evaluated: 2024-10-04. Review status: criteria provided, single submitter. Criteria: ACMG Guidelines, 2015. Collection method: clinical testing. Allele origin: unknown. Affected: yes. Observed: 1 variant allele, 1 heterozygote.
Comment: The c.1072_1073del variant is not present in publicly available population databases like 1000 Genomes, EVS, ExAC, gnomAD, Indian Exome Database or our in-house exome database. This variant has neither been published in literature in individuals affected with TBX1-related conditions nor reported to the clinical databases like ClinVar, Human Genome Mutation Database (HGMD) or OMIM, in any affected individuals. In-silico pathogenicity prediction programs like MutationTaster2, CADD, Franklin, InterVar etc predicted this variant to be likely deleterious. This variant causes frameshift at the 358th amino acid position of the wild-type transcript that creates a premature translational stop signal at the altered transcript that may either result in translation of a truncated protein or cause nonsense mediated decay of the mRNA. This variant is present in the intron 8 of the other transcript (NM_005992.1).

NM_080646.2(TBX1):c.1072_1073del (p.Glu358fs)

Gene: TBX1 (T-box transcription factor 1; plus strand). Cytogenetic location: 22q11.21.
Variant type: Microsatellite.
Coding change: c.1072_1073del on transcript NM_080646.2; coding-DNA positions 1072 to 1073, 2 bases deleted (GA; older notation c.1072_1073delGA).
Protein change: p.Glu358fs; shifts the reading frame from glutamic acid 358.
Molecular consequence: frameshift variant. On other transcripts: intron variant (1).
Genome position (GRCh38, 1-based): chr22:19,779,282-19,779,283, GA deleted; deleting any 2 consecutive bases within chr22:19,779,275-19,779,283 gives the same sequence; the c. name uses the placement nearest the transcript's 3' end. VCF-style (leftmost placement, unchanged base first): chr22-19779274-CAG-C. GRCh37 (hg19) VCF-style: chr22-19766797-CAG-C.
Other names: c.1010-3638AG[3] (NM_005992.1); short protein forms E358fs.
Identifiers: ClinVar variation 3367184 (VCV003367184.1).